The following is an entry in ClinVar:

NM_001005498.4(RHBDF2):c.196C>G (p.Arg66Gly)

Gene: RHBDF2 (rhomboid 5 homolog 2; minus strand). Cytogenetic location: 17q25.1.
Variant type: single nucleotide variant.
Coding change: c.196C>G on transcript NM_001005498.4 (MANE Select); coding-DNA position 196, C replaced by G.
Protein change: p.Arg66Gly; replaces arginine 66 with glycine.
Molecular consequence: missense variant. On other transcripts: non-coding transcript variant (3).
Genome position (GRCh38, 1-based): chr17:76,479,809, G>C on the plus strand (C>G on the coding strand, the complement: RHBDF2 is on the minus strand). VCF-style: chr17-76479809-G-C. GRCh37 (hg19) VCF-style: chr17-74475891-G-C.
Other names: c.196C>G, p.Arg66Gly (NM_001376228.1, NM_001376229.1, NM_001376230.1); c.283C>G, p.Arg95Gly (NM_024599.5); short protein forms R66G, R95G.
Identifiers: ClinVar variation 2678352 (VCV002678352.3), dbSNP rs747985209, ClinGen allele CA401172644.

ClinVar aggregate classification (germline): Uncertain significance. Review status: criteria provided, multiple submitters, no conflicts (2 of 4 stars). 3 submissions from 3 submitters: Uncertain significance (3). Last evaluated 2025-12-17.

Conditions:
Inborn genetic diseases. Identifiers: MedGen C0950123, MeSH D030342.
Palmoplantar keratoderma-esophageal carcinoma syndrome (TOC). Also called: KERATOSIS PALMARIS ET PLANTARIS WITH ESOPHAGEAL CANCER; PALMOPLANTAR KERATODERMA WITH ESOPHAGEAL CANCER; Tylosis with Esophageal Cancer. Identifiers: Orphanet 2198, MedGen C1835664, MONDO:0007856, OMIM 148500.

Submissions (3):

Labcorp Genetics (formerly Invitae), Labcorp
Classification: Uncertain significance. Last evaluated: 2025-12-17. Review status: criteria provided, single submitter. Criteria: Invitae Variant Classification Sherloc (09022015). Collection method: clinical testing. Allele origin: germline.
Comment: This sequence change replaces arginine, which is basic and polar, with glycine, which is neutral and non-polar, at codon 95 of the RHBDF2 protein (p.Arg95Gly). This variant is present in population databases (no rsID available, gnomAD 0.009%). This variant has not been reported in the literature in individuals affected with RHBDF2-related conditions. ClinVar contains an entry for this variant (Variation ID: 2678352). An algorithm developed to predict the effect of missense changes on protein structure and function (PolyPhen-2) suggests that this variant is likely to be tolerated. In summary, the available evidence is currently insufficient to determine the role of this variant in disease. Therefore, it has been classified as a Variant of Uncertain Significance.

Ambry Genetics
Classification: Uncertain significance for Inborn genetic diseases. Last evaluated: 2024-11-08. Review status: criteria provided, single submitter. Criteria: Ambry Variant Classification Scheme 2023. Collection method: clinical testing. Allele origin: germline.

Baylor Genetics
Classification: Uncertain significance for Palmoplantar keratoderma-esophageal carcinoma syndrome. Last evaluated: 2023-08-15. Review status: criteria provided, single submitter. Criteria: ACMG Guidelines, 2015. Collection method: clinical testing. Allele origin: unknown.